The following is an entry in ClinVar:

ClinVar aggregate classification (germline): Uncertain significance (1 of 4 stars; one submission).

Submission:

GeneDx
Classification: Uncertain significance. Last evaluated: 2025-06-10. Review status: criteria provided, single submitter. Criteria: GeneDx Variant Classification Process June 2021. Collection method: clinical testing. Allele origin: germline. Affected: yes.
Comment: In silico analysis supports that this missense variant has a deleterious effect on protein structure/function; Located in exon 38, which is reported as being expressed in a brain-specific transcript (PMID: 1830053, 18790697, 26109584); Has not been previously published as pathogenic or benign to our knowledge; Not observed at significant frequency in large population cohorts (gnomAD)

NM_001148.6(ANK2):c.9250C>A (p.Pro3084Thr)

Gene: ANK2 (ankyrin 2; plus strand). Cytogenetic location: 4q26.
Variant type: single nucleotide variant.
Coding change: c.9250C>A on transcript NM_001148.6 (MANE Select); coding-DNA position 9250, C replaced by A.
Protein change: p.Pro3084Thr; replaces proline 3084 with threonine.
Molecular consequence: missense variant. On other transcripts: intron variant (68).
Genome position (GRCh38, 1-based): chr4:113,357,868, C>A. VCF-style: chr4-113357868-C-A. GRCh37 (hg19) VCF-style: chr4-114279024-C-A.
Other names: c.9016C>A, p.Pro3006Thr (NM_001386142.1); c.5650C>A, p.Pro1884Thr (NM_001386166.1); c.9391C>A, p.Pro3131Thr (NM_001386174.1); c.9367C>A, p.Pro3123Thr (NM_001386175.1); c.4412-2955C>A (NM_001386186.2, NM_001386148.2); c.4214-2955C>A (NM_001354269.3); c.4292-2955C>A (NM_001386187.2); c.4253-2955C>A (NM_001386147.1); and 35 more; short protein forms P1884T, P3006T, P3084T, P3123T, P3131T.
Identifiers: ClinVar variation 4537872 (VCV004537872.1).
Genomic context (GRCh38, chr4:113,357,868, plus strand): 5'-CAAAAGATATTTGGTTTGATGGTAGACAGACAATCACAGGGTACCACCCCTGACACCACT[C>A]CTGCTAGGACCCCAACTGAAGAGGGGACCCCAACAAGTGAGCAAAACCCATTTCTGTTTC-3'
Protein context (NP_001139.3, residues 3074-3094): QSQGTTPDTT[Pro3084Thr]ARTPTEEGTP